The following is an entry in ClinVar:

ClinVar aggregate classification (germline): Conflicting classifications of pathogenicity. Review status: criteria provided, conflicting classifications (1 of 4 stars). 2 submissions from 2 submitters: Uncertain significance (1); Likely benign (1). Last evaluated 2024-06-04.

Conditions:
Cardiovascular phenotype. Identifiers: MedGen CN230736.

Allele frequency attached by ClinVar (database versions not stated): ExAC 0.00002; TOPMed 0.00006; gnomAD 0.00007; 1000 Genomes Project 0.00060; 1000 Genomes Project 30x 0.00078.
gnomAD v4.1: 17 of 1,612,748 alleles (0.0011%); highest among the groups gnomAD compares: African/African-American, 0.016%; no homozygotes.

Submissions (2):

Ambry Genetics
Classification: Uncertain significance for Cardiovascular phenotype. Last evaluated: 2024-06-04. Review status: criteria provided, single submitter. Criteria: Ambry Variant Classification Scheme 2023. Collection method: clinical testing. Allele origin: germline.
Comment: The c.-3A>G variant is located in the 5' untranslated region (5&rsquo; UTR) of the LDB3 gene. This variant results from an A to G substitution 3 bases upstream from the first translated codon. This nucleotide position is well conserved in available vertebrate species. Since supporting evidence is limited at this time, the clinical significance of this alteration remains unclear.

Blueprint Genetics
Classification: Likely benign. Last evaluated: 2021-08-15. Review status: criteria provided, single submitter. Criteria: ACMG Guidelines, 2015. Collection method: clinical testing. Allele origin: germline.

NM_007078.3(LDB3):c.-3A>G

Genes: LDB3 (LIM domain binding 3; plus strand), LOC130004243 (ATAC-STARR-seq lymphoblastoid active region 3695; plus strand). Cytogenetic location: 10q23.2.
Variant type: single nucleotide variant.
Coding change: c.-3A>G on transcript NM_007078.3 (MANE Select); 3 bases upstream of the start codon, A replaced by G.
Molecular consequence: 5 prime UTR variant.
Genome position (GRCh38, 1-based): chr10:86,668,689, A>G. VCF-style: chr10-86668689-A-G. GRCh37 (hg19) VCF-style: chr10-88428446-A-G.
Other names: c.-3A>G (NM_001080114.2, NM_001080115.2, NM_001080116.1 and 8 more transcripts).
Identifiers: ClinVar variation 1736891 (VCV001736891.4), dbSNP rs532657940, ClinGen allele CA5584559.
Genomic context (GRCh38, chr10:86,668,689, plus strand): 5'-AGTGCCCTCTCACTCAACCCTCTCTACCCTTTGTCTGCAGAGGCGGCCGCTGACAGCACC[A>G]GCATGTCTTACAGTGTGACCCTGACTGGGCCCGGGCCCTGGGGCTTCCGTCTGCAGGGGG-3'